The following is an entry in ClinVar:

ClinVar aggregate classification (germline): Uncertain significance. Review status: criteria provided, multiple submitters, no conflicts (2 of 4 stars). 3 submissions from 3 submitters: Uncertain significance (3). Last evaluated 2023-11-07.

Conditions:
Epidermolysis bullosa simplex 5B, with muscular dystrophy (EBS5B). Also called: Epidermolysis bullosa simplex with muscular dystrophy; EPIDERMOLYSIS BULLOSA SIMPLEX AND LIMB-GIRDLE MUSCULAR DYSTROPHY. Identifiers: Orphanet 257, MedGen C2931072, MONDO:0009181, OMIM 226670.
Epidermolysis bullosa simplex, Ogna type (EBS5A). Also called: Pidermolysis bullosa simplex 5A, Ogna type; EPIDERMOLYSIS BULLOSA SIMPLEX 5A, OGNA TYPE. Identifiers: Orphanet 79401, MedGen C0432317, MONDO:0007555, OMIM 131950.
Epidermolysis bullosa simplex with nail dystrophy (EBS5D). Identifiers: MedGen C4225309, MONDO:0014661, OMIM 616487.
Autosomal recessive limb-girdle muscular dystrophy type 2Q (LGMDR17). Also called: MUSCULAR DYSTROPHY, LIMB-GIRDLE, AUTOSOMAL RECESSIVE 17. Identifiers: Orphanet 254361, MedGen C3150989, MONDO:0013390, OMIM 613723.
Epidermolysis bullosa simplex 5C, with pyloric atresia (EBS5C). Also called: PLEC-Related Epidermolysis Bullosa with Pyloric Atresia; Epidermolysis bullosa simplex with pyloric atresia; PLEC1-Related Epidermolysis Bullosa with Pyloric Atresia. Identifiers: Orphanet 158684, MedGen C2677349, MONDO:0012807, OMIM 612138.

Allele frequency attached by ClinVar (database versions not stated): gnomAD exomes 0.00002; TOPMed 0.00002; ExAC 0.00003; gnomAD 0.00003.
gnomAD v4.1: 33 of 1,601,212 alleles (0.0021%); highest among the groups gnomAD compares: East Asian, 0.0045%; no homozygotes.

Submissions (3):

Revvity Omics, Revvity
Classification: Uncertain significance. Last evaluated: 2023-11-07. Review status: criteria provided, single submitter. Criteria: ACMG Guidelines, 2015. Collection method: clinical testing. Allele origin: germline.

Labcorp Genetics (formerly Invitae), Labcorp
Classification: Uncertain significance for Autosomal recessive limb-girdle muscular dystrophy type 2Q; Epidermolysis bullosa simplex, Ogna type; Epidermolysis bullosa simplex with nail dystrophy; Epidermolysis bullosa simplex 5C, with pyloric atresia; Epidermolysis bullosa simplex 5B, with muscular dystrophy. Last evaluated: 2023-03-26. Review status: criteria provided, single submitter. Criteria: Invitae Variant Classification Sherloc (09022015). Collection method: clinical testing. Allele origin: germline.
Comment: In summary, the available evidence is currently insufficient to determine the role of this variant in disease. Therefore, it has been classified as a Variant of Uncertain Significance. Advanced modeling of protein sequence and biophysical properties (such as structural, functional, and spatial information, amino acid conservation, physicochemical variation, residue mobility, and thermodynamic stability) performed at Invitae indicates that this missense variant is not expected to disrupt PLEC protein function. ClinVar contains an entry for this variant (Variation ID: 594908). This variant has not been reported in the literature in individuals affected with PLEC-related conditions. The frequency data for this variant in the population databases is considered unreliable, as metrics indicate poor data quality at this position in the gnomAD database. This sequence change replaces glutamic acid, which is acidic and polar, with lysine, which is basic and polar, at codon 1129 of the PLEC protein (p.Glu1129Lys).

Eurofins Ntd Llc (ga)
Classification: Uncertain significance. Last evaluated: 2017-11-10. Review status: criteria provided, single submitter. Criteria: EGL Classification Definitions 2015. Collection method: clinical testing. Allele origin: germline. Observed: 2 variant alleles, 2 heterozygotes.

NM_201384.3(PLEC):c.3304G>A (p.Glu1102Lys)

Gene: PLEC (plectin; minus strand). Cytogenetic location: 8q24.3.
Variant type: single nucleotide variant.
Coding change: c.3304G>A on transcript NM_201384.3 (MANE Select); coding-DNA position 3304, G replaced by A.
Protein change: p.Glu1102Lys; replaces glutamic acid 1102 with lysine.
Molecular consequence: missense variant.
Genome position (GRCh38, 1-based): chr8:143,927,949, C>T on the plus strand (G>A on the coding strand, the complement: PLEC is on the minus strand). VCF-style: chr8-143927949-C-T. GRCh37 (hg19) VCF-style: chr8-145002117-C-T.
Other names: c.3385G>A, p.Glu1129Lys (NM_000445.5); c.3262G>A, p.Glu1088Lys (NM_201378.4); c.3238G>A, p.Glu1080Lys (NM_201379.3); c.3715G>A, p.Glu1239Lys (NM_201380.4); c.3208G>A, p.Glu1070Lys (NM_201381.3); c.3304G>A, p.Glu1102Lys (NM_201382.4); c.3316G>A, p.Glu1106Lys (NM_201383.3); c.3385G>A (NM_000445.3); short protein forms E1088K, E1129K, E1070K, E1080K, E1106K, E1102K, E1239K.
Identifiers: ClinVar variation 594908 (VCV000594908.12), dbSNP rs782023030, ClinGen allele CA4927125.
Genomic context (GRCh38, chr8:143,927,949, plus strand): 5'-GGGTGGCCGGCACGGCCTGGGCCTCCTTGAGCTGCTCCTCGTGGGCCCTGAGCACCTCCT[C>T]GGCCCCCTGCGTGCCGCGGATCACCAGGCTGATGGTCTTGAGCCTGGCGGGAAAGCGGGG-3'
Protein context (NP_958786.1, residues 1092-1112): SLVIRGTQGA[Glu1102Lys]EVLRAHEEQL